The following is an entry in ClinVar:

NM_001943.5(DSG2):c.2987G>A (p.Gly996Glu)

Genes: DSG2 (desmoglein 2; plus strand), DSG2-AS1 (DSG2 antisense RNA 1; minus strand). Cytogenetic location: 18q12.1.
Variant type: single nucleotide variant.
Coding change: c.2987G>A on transcript NM_001943.5 (MANE Select); coding-DNA position 2987, G replaced by A.
Protein change: p.Gly996Glu; replaces glycine 996 with glutamic acid.
Molecular consequence: missense variant.
Genome position (GRCh38, 1-based): chr18:31,546,373, G>A. VCF-style: chr18-31546373-G-A. GRCh37 (hg19) VCF-style: chr18-29126336-G-A.
Other names: c.2987G>A (LRG_397t1); short protein forms G996E.
Identifiers: ClinVar variation 567080 (VCV000567080.15), dbSNP rs1567934945, ClinGen allele CA402147669.

ClinVar aggregate classification (germline): Uncertain significance. Review status: criteria provided, multiple submitters, no conflicts (2 of 4 stars). 3 submissions from 3 submitters: Uncertain significance (3). Last evaluated 2025-12-24.

Conditions:
Cardiomyopathy (CMYO). Also called: Cardiomyopathies. Identifiers: Orphanet 167848, MedGen C0878544, MONDO:0004994, HP:0001638. Inheritance: Various modes of inheritance.
Arrhythmogenic right ventricular dysplasia 10. Also called: Arrhythmogenic right ventricular dysplasia/cardiomyopathy, type 10; Arrhythmogenic Right Ventricular Dysplasia/Cardiomyopathy10; ARRHYTHMOGENIC RIGHT VENTRICULAR DYSPLASIA, FAMILIAL, 10. Identifiers: MedGen C1857777, MONDO:0012434, OMIM 610193.
Arrhythmogenic right ventricular cardiomyopathy (ARVD). Also called: Arrhythmogenic cardiomyopathy; Arrhythmogenic Right Ventricular Cardiomyopathy (ARVC); Cardiomyopathy, ARVC; Arrhythmogenic right ventricular dysplasia. Identifiers: Orphanet 247, MedGen C0349788, MeSH D019571, MONDO:0016587. Disease mechanism: loss of function. Inheritance: Various modes of inheritance.

Allele frequency attached by ClinVar (database versions not stated): gnomAD 0.00001.
gnomAD v4.1: 3 of 1,613,970 alleles (0.00019%); highest among the groups gnomAD compares: Non-Finnish European, 0.00025%; no homozygotes.

Submissions (3):

Labcorp Genetics (formerly Invitae), Labcorp
Classification: Uncertain significance for Arrhythmogenic right ventricular dysplasia 10. Last evaluated: 2025-12-24. Review status: criteria provided, single submitter. Criteria: Invitae Variant Classification Sherloc (09022015). Collection method: clinical testing. Allele origin: germline.
Comment: This sequence change replaces glycine, which is neutral and non-polar, with glutamic acid, which is acidic and polar, at codon 996 of the DSG2 protein (p.Gly996Glu). This variant is not present in population databases (gnomAD no frequency). This variant has not been reported in the literature in individuals affected with DSG2-related conditions. ClinVar contains an entry for this variant (Variation ID: 567080). Invitae Evidence Modeling of protein sequence and biophysical properties (such as structural, functional, and spatial information, amino acid conservation, physicochemical variation, residue mobility, and thermodynamic stability) indicates that this missense variant is not expected to disrupt DSG2 protein function with a negative predictive value of 95%. In summary, the available evidence is currently insufficient to determine the role of this variant in disease. Therefore, it has been classified as a Variant of Uncertain Significance.

Color Diagnostics, LLC DBA Color Health
Classification: Uncertain significance for Cardiomyopathy. Last evaluated: 2024-03-07. Review status: criteria provided, single submitter. Criteria: ACMG Guidelines, 2015. Collection method: clinical testing. Allele origin: germline.
Comment: This missense variant replaces glycine with glutamic acid at codon 996 of the DSG2 protein. Computational prediction suggests that this variant may not impact protein structure and function (internally defined REVEL score threshold <= 0.5, PMID: 27666373). To our knowledge, functional studies have not been reported for this variant. This variant has not been reported in individuals affected with cardiovascular disorders in the literature. This variant has not been identified in the general population by the Genome Aggregation Database (gnomAD). The available evidence is insufficient to determine the role of this variant in disease conclusively. Therefore, this variant is classified as a Variant of Uncertain Significance.

All of Us Research Program, National Institutes of Health
Classification: Uncertain significance for Arrhythmogenic right ventricular cardiomyopathy. Last evaluated: 2023-10-23. Review status: criteria provided, single submitter. Criteria: ACMG Guidelines, 2015. Collection method: clinical testing. Allele origin: germline. Inheritance: Autosomal dominant inheritance. Observed: 2 variant alleles, 2 heterozygotes.
Comment: This missense variant replaces glycine with glutamic acid at codon 996 of the DSG2 protein. Computational prediction suggests that this variant may not impact protein structure and function (internally defined REVEL score threshold <= 0.5, PMID: 27666373). To our knowledge, functional studies have not been reported for this variant. This variant has not been reported in individuals affected with cardiovascular disorders in the literature. This variant has not been identified in the general population by the Genome Aggregation Database (gnomAD). The available evidence is insufficient to determine the role of this variant in disease conclusively. Therefore, this variant is classified as a Variant of Uncertain Significance.

This study involves interpretation of variants in research participants for the purpose of population health screening. Participant phenotype was not available at the time of variant classification. Additional details can be found in publication PMID: 35346344, PMCID: PMC8962531